The following is an entry in ClinVar:

NM_000256.3(MYBPC3):c.2738G>C (p.Cys913Ser)

Gene: MYBPC3 (myosin binding protein C3; minus strand). Cytogenetic location: 11p11.2.
Variant type: single nucleotide variant.
Coding change: c.2738G>C on transcript NM_000256.3 (MANE Select); coding-DNA position 2738, G replaced by C.
Protein change: p.Cys913Ser; replaces cysteine 913 with serine.
Molecular consequence: missense variant.
Genome position (GRCh38, 1-based): chr11:47,335,209, C>G on the plus strand (G>C on the coding strand, the complement: MYBPC3 is on the minus strand). VCF-style: chr11-47335209-C-G. GRCh37 (hg19) VCF-style: chr11-47356760-C-G.
Other names: short protein forms C913S.
Identifiers: ClinVar variation 3387104 (VCV003387104.2).

ClinVar aggregate classification (germline): Uncertain significance. Review status: criteria provided, multiple submitters, no conflicts (2 of 4 stars). 2 submissions from 2 submitters: Uncertain significance (2). Last evaluated 2025-08-29.

Conditions:
Hypertrophic cardiomyopathy. Also called: HYPERTROPHIC MYOCARDIOPATHY. Identifiers: Orphanet 217569, MedGen C0007194, MeSH D002312, MONDO:0005045, HP:0001639.

Submissions (2):

Labcorp Genetics (formerly Invitae), Labcorp
Classification: Uncertain significance for Hypertrophic cardiomyopathy. Last evaluated: 2025-08-29. Review status: criteria provided, single submitter. Criteria: Invitae Variant Classification Sherloc (09022015). Collection method: clinical testing. Allele origin: germline.
Comment: This sequence change replaces cysteine, which is neutral and slightly polar, with serine, which is neutral and polar, at codon 913 of the MYBPC3 protein (p.Cys913Ser). This variant is not present in population databases (gnomAD no frequency). This missense change has been observed in individual(s) with MYBPC3-related conditions (PMID: 37652022). ClinVar contains an entry for this variant (Variation ID: 3387104). An algorithm developed to predict the effect of missense changes on protein structure and function outputs the following: PolyPhen-2: "Benign". The serine amino acid residue is found in multiple mammalian species, which suggests that this missense change does not adversely affect protein function. Algorithms developed to predict the effect of sequence changes on RNA splicing suggest that this variant may disrupt the consensus splice site. In summary, the available evidence is currently insufficient to determine the role of this variant in disease. Therefore, it has been classified as a Variant of Uncertain Significance.

All of Us Research Program, National Institutes of Health
Classification: Uncertain significance for Hypertrophic cardiomyopathy. Last evaluated: 2024-05-30. Review status: criteria provided, single submitter. Criteria: ACMG Guidelines, 2015. Collection method: clinical testing. Allele origin: germline. Inheritance: Autosomal dominant inheritance. Observed: 1 variant allele, 1 heterozygote.
Comment: This missense variant replaces cysteine with serine at codon 913 of the MYBPC3 protein. Computational prediction suggests that this variant may not impact protein structure and function (internally defined REVEL score threshold <= 0.5, PMID: 27666373). To our knowledge, functional studies have not been reported for this variant. This variant has not been reported in individuals affected with MYBPC3-related disorders in the literature. This variant has not been identified in the general population by the Genome Aggregation Database (gnomAD). The available evidence is insufficient to determine the role of this variant in disease conclusively. Therefore, this variant is classified as a Variant of Uncertain Significance.

This study involves interpretation of variants in research participants for the purpose of population health screening. Participant phenotype was not available at the time of variant classification. Additional details can be found in publication PMID: 35346344, PMCID: PMC8962531

Literature cited by the submitters: PubMed 37652022 (cited by Labcorp Genetics (formerly Invitae), Labcorp).